The following is an entry in ClinVar:

NM_001605.3(AARS1):c.1298G>C (p.Gly433Ala)

Gene: AARS1 (alanyl-tRNA synthetase 1; minus strand). Cytogenetic location: 16q22.1.
Variant type: single nucleotide variant.
Coding change: c.1298G>C on transcript NM_001605.3 (MANE Select); coding-DNA position 1298, G replaced by C.
Protein change: p.Gly433Ala; replaces glycine 433 with alanine.
Molecular consequence: missense variant.
Genome position (GRCh38, 1-based): chr16:70,265,587, C>G on the plus strand (G>C on the coding strand, the complement: AARS1 is on the minus strand). VCF-style: chr16-70265587-C-G. GRCh37 (hg19) VCF-style: chr16-70299490-C-G.
Other names: short protein forms G433A.
Identifiers: ClinVar variation 2955098 (VCV002955098.3), dbSNP rs963547000, ClinGen allele CA283436067.

ClinVar aggregate classification (germline): Uncertain significance (1 of 4 stars; one submission).

Conditions:
Charcot-Marie-Tooth disease type 2. Also called: Charcot-Marie-Tooth type 2. Identifiers: Orphanet 64746, MedGen C0270914, MONDO:0018993.

Submission:

Labcorp Genetics (formerly Invitae), Labcorp
Classification: Uncertain significance for Charcot-Marie-Tooth disease type 2. Last evaluated: 2024-05-04. Review status: criteria provided, single submitter. Criteria: Invitae Variant Classification Sherloc (09022015). Collection method: clinical testing. Allele origin: germline.
Comment: This sequence change replaces glycine, which is neutral and non-polar, with alanine, which is neutral and non-polar, at codon 433 of the AARS protein (p.Gly433Ala). This variant is not present in population databases (gnomAD no frequency). This variant has not been reported in the literature in individuals affected with AARS-related conditions. Advanced modeling of protein sequence and biophysical properties (such as structural, functional, and spatial information, amino acid conservation, physicochemical variation, residue mobility, and thermodynamic stability) performed at Invitae indicates that this missense variant is not expected to disrupt AARS protein function with a negative predictive value of 80%. In summary, the available evidence is currently insufficient to determine the role of this variant in disease. Therefore, it has been classified as a Variant of Uncertain Significance.